The following is an entry in ClinVar:

NM_003482.4(KMT2D):c.3906+5G>T

Genes: KMT2D (lysine methyltransferase 2D; minus strand), LOC126861520 (CDK7 strongly-dependent group 2 enhancer GRCh37_chr12:49442744-49443943; plus strand). Cytogenetic location: 12q13.12.
Variant type: single nucleotide variant.
Coding change: c.3906+5G>T on transcript NM_003482.4 (MANE Select); 5 bases into the intron after coding-DNA position 3906, G replaced by T.
Molecular consequence: intron variant.
Genome position (GRCh38, 1-based): chr12:49,049,677, C>A on the plus strand (G>T on the coding strand, the complement: KMT2D is on the minus strand). VCF-style: chr12-49049677-C-A. GRCh37 (hg19) VCF-style: chr12-49443460-C-A.
Identifiers: ClinVar variation 3640083 (VCV003640083.2).

ClinVar aggregate classification (germline): Uncertain significance (1 of 4 stars; one submission).

Conditions:
Kabuki syndrome. Also called: Kabuki make-up syndrome; NIIKAWA-KUROKI SYNDROME. Identifiers: Orphanet 2322, MedGen C0796004, MONDO:0016512.

gnomAD v4.1: 1 of 1,573,224 alleles (0.000064%); highest among the groups gnomAD compares: East Asian, 0.0023%; no homozygotes.

Submission:

Labcorp Genetics (formerly Invitae), Labcorp
Classification: Uncertain significance for Kabuki syndrome. Last evaluated: 2024-02-10. Review status: criteria provided, single submitter. Criteria: Invitae Variant Classification Sherloc (09022015). Collection method: clinical testing. Allele origin: germline.
Comment: This sequence change falls in intron 11 of the KMT2D gene. It does not directly change the encoded amino acid sequence of the KMT2D protein. It affects a nucleotide within the consensus splice site. This variant is not present in population databases (gnomAD no frequency). This variant has not been reported in the literature in individuals affected with KMT2D-related conditions. Variants that disrupt the consensus splice site are a relatively common cause of aberrant splicing (PMID: 17576681, 9536098). Algorithms developed to predict the effect of sequence changes on RNA splicing suggest that this variant is not likely to affect RNA splicing. In summary, the available evidence is currently insufficient to determine the role of this variant in disease. Therefore, it has been classified as a Variant of Uncertain Significance.

Literature cited by the submitters: PubMed 17576681; PubMed 9536098.